The following is an entry in ClinVar:

NM_000540.3(RYR1):c.8342_8343del (p.Ile2781fs)

Genes: RYR1 (ryanodine receptor 1; plus strand), LOC126862902 (BRD4-independent group 4 enhancer GRCh37_chr19:38995830-38997029; plus strand). Cytogenetic location: 19q13.2.
Variant type: Deletion.
Coding change: c.8342_8343del on transcript NM_000540.3 (MANE Select); coding-DNA positions 8342 to 8343, 2 bases deleted (TA; older notation c.8342_8343delTA).
Protein change: p.Ile2781fs; shifts the reading frame from isoleucine 2781.
Molecular consequence: frameshift variant.
Genome position (GRCh38, 1-based): chr19:38,505,340-38,505,341, TA deleted; deleting any 2 consecutive bases within chr19:38,505,339-38,505,341 gives the same sequence; the c. name uses the placement nearest the transcript's 3' end. VCF-style (leftmost placement, unchanged base first): chr19-38505338-CAT-C. GRCh37 (hg19) VCF-style: chr19-38995978-CAT-C.
Other names: NM_000540.3(RYR1):c.8342_8343del; p.Ile2781fs; c.8342_8343delTA, p.Ile2781Argfs (NM_000540.2); c.8342_8343del, p.Ile2781fs (NM_001042723.2); c.8342_8343delTA (NM_000540.3); short protein forms I2781fs.
Identifiers: ClinVar variation 590611 (VCV000590611.23), dbSNP rs758580075, ClinGen allele CA071855.

ClinVar aggregate classification (germline): Pathogenic. Review status: criteria provided, multiple submitters, no conflicts (2 of 4 stars). 12 submissions from 12 submitters: Pathogenic (11). 1 of the submissions does not count toward it. Last evaluated 2026-05-20.

Conditions:
Centronuclear myopathy (CNM). Also called: Centronuclear myopathy, congenital; Myotubular myopathy. Identifiers: Orphanet 595, MedGen C0175709, MONDO:0018947. Inheritance: All.
Central core myopathy (CMYO1A). Also called: CONGENITAL MYOPATHY 1A, AUTOSOMAL DOMINANT, WITH SUSCEPTIBILITY TO MALIGNANT HYPERTHERMIA; Central core disease; Myopathy, central fibrillar. Identifiers: Orphanet 597, MedGen C5830701, MONDO:0007294, OMIM 117000.
Malignant hyperthermia, susceptibility to, 1 (MHS1). Also called: RYR1-Related Malignant Hyperthermia Susceptibility; Anesthesia related hyperthermia; Malignant hyperpyrexia; Fulminating hyperpyrexia; Pharmacogenic myopathy; Malignant hyperthermia suceptibility 1. Identifiers: Orphanet 423, MedGen C2930980, MONDO:0007783, OMIM 145600.
Congenital multicore myopathy with external ophthalmoplegia (CMYO1B). Also called: Minicore myopathy with external ophthalmoplegia; Congenital myopathy 1B, autosomal recessive; Minicore myopathy; MULTIMINICORE DISEASE WITH EXTERNAL OPHTHALMOPLEGIA; MULTICORE MYOPATHY. Identifiers: Orphanet 598, Orphanet 98905, MedGen C1850674, MONDO:0009712, OMIM 255320, HP:0003789.
King Denborough syndrome (KDS). Identifiers: MedGen C1840365, MONDO:0020485, OMIM 619542.
RYR1-related disorder. Also called: RYR1-related condition; RYR1-related disorders. Identifiers: MedGen CN239331.

Submissions (12):

Women's Health and Genetics/Laboratory Corporation of America, LabCorp
Classification: Pathogenic for Congenital multicore myopathy with external ophthalmoplegia. Last evaluated: 2026-05-20. Review status: criteria provided, single submitter. Criteria: LabCorp Variant Classification Summary - May 2015. Collection method: clinical testing. Allele origin: germline.
Comment: Variant summary: RYR1 c.8342_8343delTA (p.Ile2781ArgfsX49) results in a premature termination codon, predicted to cause absence of the protein due to nonsense mediated decay, which is a commonly known mechanism for disease. The variant allele was found at a frequency of 8e-06 in 249520 control chromosomes. c.8342_8343delTA has been observed at a compound heterozygous state along with a second pathogenic variant in RYR1 in at-least one patient with Autosomal recessive Dusty Core Disease (Garibaldi_2019). This variant was also observed in a heterozygous state, without second pathogenic change, in a few individuals affected with RYR1-related myopathy (example, Schoonen_2019, Mellis_2021, Wilmshurst_2010). These data indicate that the variant is very likely to be associated with disease. To our knowledge, no experimental evidence demonstrating an impact on protein function has been reported. The following publications have been ascertained in the context of this evaluation (PMID: 30611313, 34411415, 30872186, 20839240). ClinVar contains an entry for this variant (Variation ID: 590611). While this variant has been reported in the literature, the clinical significance of the variant for AD RYR1-realted conditions could not be established. Based on the evidence outlined above, the variant was classified as pathogenic for AR RYR1-related diseases.

Dasa
Classification: Pathogenic. Last evaluated: 2025-08-27. Review status: criteria provided, single submitter. Criteria: DASA Assertion Criteria. Collection method: clinical testing. Allele origin: germline.
Comment: NM_000540.3(RYR1):c.8342_8343del (p.Ile2781Argfs*49) is a frameshift variant in RYR1 predicted to alter the reading frame and introduce a premature termination codon and is predicted to result in an absent or altered protein product. Loss of function is an established disease mechanism for RYR1-associated disorders. Segregation data support an association with disease in the reported family/families. This variant has been observed in affected individuals with RYR1-related disorders. Also, this variant is absent from population databases. Based on the currently available evidence, this variant is classified as pathogenic.

Labcorp Genetics (formerly Invitae), Labcorp
Classification: Pathogenic for RYR1-related disorder. Last evaluated: 2025-03-27. Review status: criteria provided, single submitter. Criteria: Invitae Variant Classification Sherloc (09022015). Collection method: clinical testing. Allele origin: germline.
Comment: This sequence change creates a premature translational stop signal (p.Ile2781Argfs*49) in the RYR1 gene. It is expected to result in an absent or disrupted protein product. Loss-of-function variants in RYR1 are known to be pathogenic (PMID: 23919265, 25960145, 28818389, 30611313). This variant is present in population databases (rs758580075, gnomAD 0.02%). This premature translational stop signal has been observed in individual(s) with autosomal recessive congenital myopathy (PMID: 20839240, 21062345). In at least one individual the data is consistent with being in trans (on the opposite chromosome) from a pathogenic variant. It has also been observed to segregate with disease in related individuals. ClinVar contains an entry for this variant (Variation ID: 590611). For these reasons, this variant has been classified as Pathogenic.

Fulgent Genetics
Classification: Pathogenic for Central core myopathy; Malignant hyperthermia, susceptibility to, 1; Congenital multicore myopathy with external ophthalmoplegia; King Denborough syndrome. Last evaluated: 2024-04-25. Review status: criteria provided, single submitter. Criteria: ACMG Guidelines, 2015. Collection method: clinical testing. Allele origin: germline.

Muscle and Diseases Team, Institut de Génétique et Biologie Moléculaire et Cellulaire
Classification: Pathogenic for Centronuclear myopathy. Last evaluated: 2024-03-01. Review status: criteria provided, single submitter. Criteria: ACMG Guidelines, 2015. Collection method: research. Allele origin: unknown. Affected: yes. Observed: 1 variant allele.
Comment: PVS1+PM2+PM3_Supporting

Broad Center for Mendelian Genomics, Broad Institute of MIT and Harvard
Classification: Pathogenic for Congenital multicore myopathy with external ophthalmoplegia. Last evaluated: 2023-01-25. Review status: criteria provided, single submitter. Criteria: ACMG Guidelines, 2015. Collection method: curation. Allele origin: germline. Inheritance: Autosomal recessive inheritance.
Comment: Trio exome analysis revealed that this variant was in trans with a variant of uncertain significance (ClinVar Variation ID: 845794). The p.Ile2781ArgfsTer49 variant in RYR1 has been previously reported in 5 unrelated individuals with minicore myopathy with external ophthalmoplegia (PMID: 30872186, PMID: 20839240, PMID: 20839240), but has been identified in 0.02% (9/41444) of African/African American chromosomes by the Genome Aggregation Database (gnomAD; dbSNP ID: rs758580075). Although this variant has been seen in the general population in a heterozygous state, its frequency is not high enough to rule out a pathogenic role. Of these 5 unrelated individuals, 2 were compound heterozygotes who carried pathogenic variants in trans (PMID: 21062345, PMID: 20839240, ClinVar Variation ID: 132994) and 2 were compound heterozygotes who carried pathogenic variants with unknown phase (PMID: 20839240, ClinVar Variation ID: 132994), which increases the likelihood that the p.Ile2781ArgfsTer49 is pathogenic. This variant has also been reported in ClinVar (Variation ID: 590611) and has been interpreted as pathogenic by multiple submitters. This variant is predicted to cause a frameshift, which alters the protein‚Äôs amino acid sequence beginning at position 2781 and leads to a premature termination codon 49 amino acids downstream. This alteration is then predicted to lead to a truncated or absent protein. Loss of function of the RYR1 gene is an established disease mechanism of autosomal recessive minicore myopathy with external ophthalmoplegia. In summary, this variant meets criteria to be classified as pathogenic for minicore myopathy with external ophthalmoplegia. ACMG/AMP Criteria applied: PVS1, PM3_Strong (Richards 2015).

Laboratorio de Genetica e Diagnostico Molecular, Hospital Israelita Albert Einstein
Classification: Pathogenic for Congenital multicore myopathy with external ophthalmoplegia. Last evaluated: 2022-11-04. Review status: criteria provided, single submitter. Criteria: ACMG Guidelines, 2015. Collection method: clinical testing. Allele origin: germline. Affected: yes. Observed: 1 variant allele.
Comment: ACMG classification criteria: PVS1 very strong, PM2 moderated, PM3 supporting, PP1 supporting

Revvity Omics, Revvity
Classification: Pathogenic. Last evaluated: 2022-04-29. Review status: criteria provided, single submitter. Criteria: ACMG Guidelines, 2015. Collection method: clinical testing. Allele origin: germline.

GeneDx
Classification: Pathogenic. Last evaluated: 2021-12-06. Review status: criteria provided, single submitter. Criteria: GeneDx Variant Classification Process June 2021. Collection method: clinical testing. Allele origin: germline. Affected: yes.
Comment: Frameshift variant predicted to result in protein truncation or nonsense mediated decay in a gene for which loss-of-function is a known mechanism of disease; Observed in 5/23,590 (0.02%) alleles from individuals of African background, in large population cohorts (Lek et al., 2016); This variant is associated with the following publications: (PMID: 21062345, 30611313, 27535533, 20839240, 30872186)

PreventionGenetics, part of Exact Sciences
Classification: Pathogenic. Last evaluated: 2018-04-18. Review status: criteria provided, single submitter. Criteria: ACMG Guidelines, 2015. Collection method: clinical testing. Allele origin: germline.

Rady Children's Institute for Genomic Medicine, Rady Children's Hospital San Diego
Classification: Pathogenic for RYR1-Related Disorders. Review status: criteria provided, single submitter. Criteria: ACMG Guidelines, 2015. Collection method: clinical testing. Allele origin: germline. Affected: yes.
Comment: This frameshifting variant in exon 53 of 106 introduces a premature stop codon and is therefore predicted to result in loss of normal protein function through either protein truncation or nonsense-mediated mRNA decay (NMD). This variant has been previously reported as a compound heterozygous change in patients with congenital myopathy with central nuclei (PMID: 21062345, 30611313, 20839240). The c.8342_8343del (p.Ile2781ArgfsTer49) variant is present in the heterozygous state in the gnomAD population database at a frequency of 0.002% (5/280914) and is absent in the homozygous state, thus is presumed to be rare. Based on the available evidence, the c.8342_8343del (p.Ile2781ArgfsTer49) variant is classified as Pathogenic.

Color Diagnostics, LLC DBA Color Health
Classification: Uncertain significance for Malignant hyperthermia, susceptibility to, 1. Last evaluated: 2023-03-30. Review status: flagged submission. Criteria: ACMG Guidelines, 2015. Collection method: clinical testing. Allele origin: germline. Not counted in ClinVar's aggregate classification.
Comment: This variant deletes 2 nucleotides in exon 53 of the RYR1 gene, creating a frameshift and premature translation stop signal. This variant is expected to result in an absent or non-functional protein product. To our knowledge, this variant has not been reported in individuals affected with malignant hyperthermia susceptibility in the literature. This variant has been identified in 5/280914 chromosomes in the general population by the Genome Aggregation Database (gnomAD). Loss of RYR1 function due to haploinsufficiency is not an established disease mechanism for autosomal dominant malignant hyperthermia, although it is associated with other phenotype(s) (ClinVar Variation ID: 590611). Due to insufficient evidence, this variant is classified as a Variant of Uncertain Significance for autosomal dominant malignant hyperthermia.
ClinVar note: Reason: Outlier claim with insufficient supporting evidence

Literature cited by the submitters: PubMed 30872186 (cited by Women's Health and Genetics/Laboratory Corporation of America, LabCorp); PubMed 20839240 (cited by 3 submitters); PubMed 30611313 (cited by Women's Health and Genetics/Laboratory Corporation of America, LabCorp and Labcorp Genetics (formerly Invitae), Labcorp); PubMed 34411415 (cited by Women's Health and Genetics/Laboratory Corporation of America, LabCorp); PubMed 23919265 (cited by Labcorp Genetics (formerly Invitae), Labcorp); PubMed 25960145 (cited by Labcorp Genetics (formerly Invitae), Labcorp); PubMed 28818389 (cited by Labcorp Genetics (formerly Invitae), Labcorp); PubMed 21062345 (cited by Labcorp Genetics (formerly Invitae), Labcorp); DOI 10.1186/s13073-024-01353-0 (cited by Muscle and Diseases Team, Institut de Génétique et Biologie Moléculaire et Cellulaire).